The following is an entry in ClinVar:

ClinVar aggregate classification (germline): Conflicting classifications of pathogenicity. Review status: criteria provided, conflicting classifications (1 of 4 stars). 10 submissions from 10 submitters: Uncertain significance (1); Benign (3); Likely benign (5). 1 of the submissions does not count toward it. Last evaluated 2026-04-01.

Conditions:
Adams-Oliver syndrome 5 (AOS5). Identifiers: Orphanet 974, MedGen C4014970, MONDO:0014459, OMIM 616028.
Familial thoracic aortic aneurysm and aortic dissection (TAAD). Also called: Thoracic aortic aneurysms and dissections. Identifiers: Orphanet 91387, MedGen C4707243, MONDO:0019625.
Aortic valve disease 1 (AOVD1). Identifiers: MedGen C3887892, MONDO:0024523, OMIM 109730.
NOTCH1-related disorder. Also called: NOTCH1-related disorders; NOTCH1-related condition.

Allele frequency attached by ClinVar (database versions not stated): gnomAD exomes 0.00013 and 0.00029; ExAC 0.00036; ESP Exome Variant Server 0.00057; gnomAD 0.00138 and 0.00147; 1000 Genomes Project 30x 0.00141; TOPMed 0.00148; 1000 Genomes Project 0.00180.
gnomAD v4.1: 404 of 1,594,110 alleles (0.025%); highest among the groups gnomAD compares: African/African-American, 0.44%; 1 homozygote.

Submissions (10):

CeGaT Center for Human Genetics Tuebingen
Classification: Likely benign. Last evaluated: 2026-04-01. Review status: criteria provided, single submitter. Criteria: CeGaT Center For Human Genetics Tuebingen Variant Classification Criteria Version 2. Collection method: clinical testing. Allele origin: germline. Affected: yes. Observed: 2 variant alleles.
Comment: NOTCH1: BP4, BP7

Labcorp Genetics (formerly Invitae), Labcorp
Classification: Benign for Adams-Oliver syndrome 5. Last evaluated: 2026-01-25. Review status: criteria provided, single submitter. Criteria: Invitae Variant Classification Sherloc (09022015). Collection method: clinical testing. Allele origin: germline.

Mayo Clinic Laboratories, Mayo Clinic
Classification: Likely benign. Last evaluated: 2025-06-26. Review status: criteria provided, single submitter. Criteria: ACMG Guidelines, 2015. Collection method: clinical testing. Allele origin: germline. Observed: 2 variant alleles.
Comment: BS1, BP4, BP7

Blueprint Genetics
Classification: Likely benign. Last evaluated: 2024-08-28. Review status: criteria provided, single submitter. Criteria: ACMG Guidelines, 2015. Collection method: clinical testing. Allele origin: germline.

Women's Health and Genetics/Laboratory Corporation of America, LabCorp
Classification: Benign. Last evaluated: 2023-08-24. Review status: criteria provided, single submitter. Criteria: LabCorp Variant Classification Summary - May 2015. Collection method: clinical testing. Allele origin: germline.

GeneDx
Classification: Likely benign. Last evaluated: 2021-04-02. Review status: criteria provided, single submitter. Criteria: GeneDx Variant Classification Process June 2021. Collection method: clinical testing. Allele origin: germline. Affected: yes.

Baylor Genetics
Classification: Uncertain significance for Aortic valve disease 1. Last evaluated: 2018-06-29. Review status: criteria provided, single submitter. Criteria: ACMG Guidelines, 2015. Collection method: clinical testing. Allele origin: maternal. Affected: yes.
Comment: This variant was determined to be of uncertain significance according to ACMG Guidelines, 2015 [PMID:25741868].

CHEO Genetics Diagnostic Laboratory, Children's Hospital of Eastern Ontario
Classification: Benign for Familial thoracic aortic aneurysm and aortic dissection. Last evaluated: 2017-12-01. Review status: criteria provided, single submitter. Criteria: ACMG Guidelines, 2015. Collection method: clinical testing. Allele origin: germline.

Ambry Genetics
Classification: Likely benign for Familial thoracic aortic aneurysm and aortic dissection. Last evaluated: 2016-04-26. Review status: criteria provided, single submitter. Criteria: Ambry Variant Classification Scheme 2023. Collection method: clinical testing. Allele origin: germline.

PreventionGenetics, part of Exact Sciences
Classification: Benign for NOTCH1-related condition. Last evaluated: 2019-09-26. Review status: no assertion criteria provided. Collection method: clinical testing. Allele origin: germline. Not counted in ClinVar's aggregate classification.
Comment: This variant is classified as benign based on ACMG/AMP sequence variant interpretation guidelines (Richards et al. 2015 PMID: 25741868, with internal and published modifications).

Literature cited by the submitters: PubMed 24943832 (cited by Women's Health and Genetics/Laboratory Corporation of America, LabCorp); PubMed 16614245 (cited by Women's Health and Genetics/Laboratory Corporation of America, LabCorp); PubMed 21670202 (cited by Women's Health and Genetics/Laboratory Corporation of America, LabCorp); PubMed 22210878 (cited by Women's Health and Genetics/Laboratory Corporation of America, LabCorp); PubMed 19635999 (cited by Women's Health and Genetics/Laboratory Corporation of America, LabCorp); PubMed 26837699 (cited by Women's Health and Genetics/Laboratory Corporation of America, LabCorp); PubMed 23086750 (cited by Women's Health and Genetics/Laboratory Corporation of America, LabCorp); PubMed 19245433 (cited by Women's Health and Genetics/Laboratory Corporation of America, LabCorp); PubMed 22077063 (cited by Women's Health and Genetics/Laboratory Corporation of America, LabCorp); PubMed 15472075 (cited by Women's Health and Genetics/Laboratory Corporation of America, LabCorp); PubMed 23734977 (cited by Women's Health and Genetics/Laboratory Corporation of America, LabCorp); PubMed 22858860 (cited by Women's Health and Genetics/Laboratory Corporation of America, LabCorp).

NM_017617.5(NOTCH1):c.4056C>T (p.Cys1352=)

Gene: NOTCH1 (notch receptor 1; minus strand). Cytogenetic location: 9q34.3.
Variant type: single nucleotide variant.
Coding change: c.4056C>T on transcript NM_017617.5 (MANE Select); coding-DNA position 4056, C replaced by T.
Protein change: p.Cys1352=; no amino-acid change (cysteine 1352 retained).
Molecular consequence: synonymous variant.
Genome position (GRCh38, 1-based): chr9:136,505,840, G>A on the plus strand (C>T on the coding strand, the complement: NOTCH1 is on the minus strand). VCF-style: chr9-136505840-G-A. GRCh37 (hg19) VCF-style: chr9-139400292-G-A.
Other names: p.Cys1352=; c.4056C>T (NM_017617.4); c.4056C>T, p.Cys1352= (LRG_1122t1).
Identifiers: ClinVar variation 477926 (VCV000477926.37), dbSNP rs200099319, ClinGen allele CA5340698.